The following is an entry in ClinVar:

NM_000038.6(APC):c.5990G>T (p.Gly1997Val)

Gene: APC (APC regulator of Wnt signaling pathway; plus strand). Cytogenetic location: 5q22.2.
Variant type: single nucleotide variant.
Coding change: c.5990G>T on transcript NM_000038.6 (MANE Select); coding-DNA position 5990, G replaced by T.
Protein change: p.Gly1997Val; replaces glycine 1997 with valine.
Molecular consequence: missense variant.
Genome position (GRCh38, 1-based): chr5:112,841,584, G>T. VCF-style: chr5-112841584-G-T. GRCh37 (hg19) VCF-style: chr5-112177281-G-T.
Other names: c.5990G>T, p.Gly1997Val (NM_001127510.3, NM_001354895.2, NM_001407450.1); c.5936G>T, p.Gly1979Val (NM_001127511.3); c.6044G>T, p.Gly2015Val (NM_001354896.2, NM_001407447.1, NM_001407448.1 and 1 more transcripts); c.6020G>T, p.Gly2007Val (NM_001354897.2); c.5915G>T, p.Gly1972Val (NM_001354898.2); c.5906G>T, p.Gly1969Val (NM_001354899.2); c.5867G>T, p.Gly1956Val (NM_001354900.2); c.5813G>T, p.Gly1938Val (NM_001354901.2, NM_001407453.1); and 11 more; short protein forms G1714V, G1979V, G1997V, G2007V, G1871V, G1906V, G1969V, G1972V.
Identifiers: ClinVar variation 2099313 (VCV002099313.4), dbSNP rs771811726, ClinGen allele CA16034444.

ClinVar aggregate classification (germline): Uncertain significance (1 of 4 stars; one submission).

Conditions:
Familial adenomatous polyposis 1 (FAP1). Also called: FAMILIAL ADENOMATOUS POLYPOSIS 1, ATTENUATED; POLYPOSIS, ADENOMATOUS INTESTINAL. Identifiers: MedGen C2713442, MONDO:0021056, OMIM 175100. Disease mechanism: loss of function.

Submission:

Labcorp Genetics (formerly Invitae), Labcorp
Classification: Uncertain significance for Familial adenomatous polyposis 1. Last evaluated: 2022-02-19. Review status: criteria provided, single submitter. Criteria: Invitae Variant Classification Sherloc (09022015). Collection method: clinical testing. Allele origin: germline.
Comment: In summary, the available evidence is currently insufficient to determine the role of this variant in disease. Therefore, it has been classified as a Variant of Uncertain Significance. Algorithms developed to predict the effect of missense changes on protein structure and function output the following: SIFT: "Tolerated"; PolyPhen-2: "Benign"; Align-GVGD: "Class C0". The valine amino acid residue is found in multiple mammalian species, which suggests that this missense change does not adversely affect protein function. This variant has not been reported in the literature in individuals affected with APC-related conditions. This variant is not present in population databases (gnomAD no frequency). This sequence change replaces glycine, which is neutral and non-polar, with valine, which is neutral and non-polar, at codon 1997 of the APC protein (p.Gly1997Val).